The following is an entry in ClinVar:

NM_006230.4(POLD2):c.1138G>A (p.Asp380Asn)

Gene: POLD2 (DNA polymerase delta 2, accessory subunit; minus strand). Cytogenetic location: 7p13.
Variant type: single nucleotide variant.
Coding change: c.1138G>A on transcript NM_006230.4 (MANE Select); coding-DNA position 1138, G replaced by A.
Protein change: p.Asp380Asn; replaces aspartic acid 380 with asparagine.
Molecular consequence: missense variant.
Genome position (GRCh38, 1-based): chr7:44,115,775, C>T on the plus strand (G>A on the coding strand, the complement: POLD2 is on the minus strand). VCF-style: chr7-44115775-C-T. GRCh37 (hg19) VCF-style: chr7-44155374-C-T.
Other names: c.1138G>A, p.Asp380Asn (NM_001127218.3, NM_001256879.2); short protein forms D380N.
Identifiers: ClinVar variation 4730048 (VCV004730048.1).

ClinVar aggregate classification (germline): Uncertain significance (1 of 4 stars; one submission).

Submission:

Labcorp Genetics (formerly Invitae), Labcorp
Classification: Uncertain significance. Last evaluated: 2025-11-27. Review status: criteria provided, single submitter. Criteria: Invitae Variant Classification Sherloc (09022015). Collection method: clinical testing. Allele origin: germline.
Comment: This sequence change replaces aspartic acid, which is acidic and polar, with asparagine, which is neutral and polar, at codon 415 of the POLD2 protein (p.Asp415Asn). This variant is not present in population databases (gnomAD no frequency). This variant has not been reported in the literature in individuals affected with POLD2-related conditions. Experimental studies and prediction algorithms are not available or were not evaluated, and the functional significance of this variant is currently unknown. In summary, the available evidence is currently insufficient to determine the role of this variant in disease. Therefore, it has been classified as a Variant of Uncertain Significance.